The following is an entry in ClinVar:

ClinVar aggregate classification (germline): Conflicting classifications of pathogenicity. Review status: criteria provided, conflicting classifications (1 of 4 stars). 2 submissions from 2 submitters: Uncertain significance (1); Likely benign (1). Last evaluated 2023-03-23.

Conditions:
Hereditary breast ovarian cancer syndrome. Also called: Hereditary breast and/or ovarian cancer syndrome; Hereditary breast and ovarian cancer syndrome; Hereditary breast and ovarian cancer; Hereditary breast and ovarian cancer syndrome (HBOC); Breast and ovarian cancer; BRCA1- and BRCA2-Associated Hereditary Breast and Ovarian Cancer. Identifiers: Orphanet 145, MedGen C0677776, MeSH D061325, MONDO:0003582. Disease mechanism: loss of function.
Hereditary cancer-predisposing syndrome. Also called: Hereditary neoplastic syndrome; Neoplastic Syndromes, Hereditary; Tumor predisposition; Hereditary Cancer Syndrome. Identifiers: Orphanet 140162, MedGen C0027672, MeSH D009386, MONDO:0015356.

Submissions (2):

University of Washington Department of Laboratory Medicine, University of Washington
Classification: Likely benign for Hereditary cancer-predisposing syndrome. Last evaluated: 2023-03-23. Review status: criteria provided, single submitter. Criteria: Dines et al. (Genet Med. 2020). Collection method: curation. Allele origin: germline.
Comment: Missense variant in a coldspot region where missense variants are very unlikely to be pathogenic (PMID:31911673).

BRCA2 exon 10 coldspot. Reclassification based on statistical prior probability.

Labcorp Genetics (formerly Invitae), Labcorp
Classification: Uncertain significance for Hereditary breast ovarian cancer syndrome. Last evaluated: 2020-08-07. Review status: criteria provided, single submitter. Criteria: Invitae Variant Classification Sherloc (09022015). Collection method: clinical testing. Allele origin: germline.
Comment: This sequence change replaces arginine with glycine at codon 509 of the BRCA2 protein (p.Arg509Gly). The arginine residue is moderately conserved and there is a moderate physicochemical difference between arginine and glycine. This variant is not present in population databases (ExAC no frequency). This variant has not been reported in the literature in individuals with BRCA2-related conditions. Algorithms developed to predict the effect of missense changes on protein structure and function output the following: SIFT: "Tolerated"; PolyPhen-2: "Benign"; Align-GVGD: "Class C0". The glycine amino acid residue is found in multiple mammalian species, suggesting that this missense change does not adversely affect protein function. These predictions have not been confirmed by published functional studies and their clinical significance is uncertain. In summary, the available evidence is currently insufficient to determine the role of this variant in disease. Therefore, it has been classified as a Variant of Uncertain Significance.

NM_000059.4(BRCA2):c.1525A>G (p.Arg509Gly)

Gene: BRCA2 (BRCA2 DNA repair associated; plus strand). Cytogenetic location: 13q13.1.
Variant type: single nucleotide variant.
Coding change: c.1525A>G on transcript NM_000059.4 (MANE Select); coding-DNA position 1525, A replaced by G.
Protein change: p.Arg509Gly; replaces arginine 509 with glycine.
Molecular consequence: missense variant.
Genome position (GRCh38, 1-based): chr13:32,333,003, A>G. VCF-style: chr13-32333003-A-G. GRCh37 (hg19) VCF-style: chr13-32907140-A-G.
Other names: short protein forms R509G.
Identifiers: ClinVar variation 940647 (VCV000940647.11), dbSNP rs2072415459, ClinGen allele CA387764571.